The following is an entry in ClinVar:

ClinVar aggregate classification (germline): Uncertain significance (1 of 4 stars; one submission).

Conditions:
Hereditary cancer-predisposing syndrome. Also called: Neoplastic Syndromes, Hereditary; Tumor predisposition; Hereditary Cancer Syndrome; Hereditary neoplastic syndrome. Identifiers: Orphanet 140162, MedGen C0027672, MeSH D009386, MONDO:0015356.

Submission:

Ambry Genetics
Classification: Uncertain significance for Hereditary cancer-predisposing syndrome. Last evaluated: 2025-03-08. Review status: criteria provided, single submitter. Criteria: Ambry Variant Classification Scheme 2023. Collection method: clinical testing. Allele origin: germline.
Comment: The p.D3H variant (also known as c.7G>C), located in coding exon 1 of the MAX gene, results from a G to C substitution at nucleotide position 7. The aspartic acid at codon 3 is replaced by histidine, an amino acid with similar properties. This amino acid position is highly conserved in available vertebrate species. In addition, the in silico prediction for this alteration is inconclusive. Based on the available evidence, the clinical significance of this variant remains unclear.

NM_002382.5(MAX):c.7G>C (p.Asp3His)

Genes: MAX (MYC associated transcriptional regulator X; minus strand), LOC130055850 (ATAC-STARR-seq lymphoblastoid silent region 5847; plus strand). Cytogenetic location: 14q23.3.
Variant type: single nucleotide variant.
Coding change: c.7G>C on transcript NM_002382.5 (MANE Select); coding-DNA position 7, G replaced by C.
Protein change: p.Asp3His; replaces aspartic acid 3 with histidine.
Molecular consequence: missense variant. On other transcripts: 5 prime UTR variant (1).
Genome position (GRCh38, 1-based): chr14:65,102,333, C>G on the plus strand (G>C on the coding strand, the complement: MAX is on the minus strand). VCF-style: chr14-65102333-C-G. GRCh37 (hg19) VCF-style: chr14-65569051-C-G.
Other names: c.7G>C, p.Asp3His (NM_001271068.2, NM_001271069.2, NM_001407094.1 and 18 more transcripts); c.-268G>C (NM_001320415.2); c.-241G>C (NM_001407107.1); short protein forms D3H.
Identifiers: ClinVar variation 1761605 (VCV001761605.3), dbSNP rs2139977597, ClinGen allele CA390039016.
Genomic context (GRCh38, chr14:65,102,333, plus strand): 5'-CGCACGGGAAGGAAGAAGCCCCAGGACTCACGTCGCTCTCCACCTCGATGTCATCGTTAT[C>G]GCTCATTTCCTACGGCCCAGGGAGCGGCCACTGCAGCGGCGGCGGGGAGGGGAAGGGGTG-3'
Protein context (NP_002373.3, residues 1-13): MS[Asp3His]NDDIEVESDE